The following is an entry in ClinVar:

NM_000321.3(RB1):c.2107-13A>C

Gene: RB1 (RB transcriptional corepressor 1; plus strand). Cytogenetic location: 13q14.2.
Variant type: single nucleotide variant.
Coding change: c.2107-13A>C on transcript NM_000321.3 (MANE Select); 13 bases into the intron before coding-DNA position 2107, A replaced by C.
Molecular consequence: intron variant.
Genome position (GRCh38, 1-based): chr13:48,463,718, A>C. VCF-style: chr13-48463718-A-C. GRCh37 (hg19) VCF-style: chr13-49037854-A-C.
Identifiers: ClinVar variation 1583345 (VCV001583345.15), dbSNP rs773509289, ClinGen allele CA034202.

ClinVar aggregate classification (germline): Conflicting classifications of pathogenicity. Review status: criteria provided, conflicting classifications (1 of 4 stars). 6 submissions from 6 submitters: Uncertain significance (1); Likely benign (5). Last evaluated 2026-06-22.

Conditions:
Hereditary cancer-predisposing syndrome. Also called: Tumor predisposition; Hereditary neoplastic syndrome; Neoplastic Syndromes, Hereditary; Hereditary Cancer Syndrome. Identifiers: Orphanet 140162, MedGen C0027672, MeSH D009386, MONDO:0015356.
Retinoblastoma (RB1). Also called: RETINOBLASTOMA, SOMATIC. Identifiers: Orphanet 790, MedGen C0035335, MeSH D012175, MONDO:0008380, OMIM 180200, HP:0009919. Disease mechanism: loss of function. Inheritance: Both sporadic and heritable forms are tested..

Allele frequency attached by ClinVar (database versions not stated): gnomAD exomes 0.00002; ExAC 0.00001; gnomAD 0.00001; TOPMed 0.00001.
gnomAD v4.1: 27 of 1,409,614 alleles (0.0019%); highest among the groups gnomAD compares: African/African-American, 0.0028%; no homozygotes.

Submissions (6):

Myriad Genetics, Inc.
Classification: Likely benign for Retinoblastoma. Last evaluated: 2026-06-22. Review status: criteria provided, single submitter. Criteria: Myriad Autosomal Dominant, Autosomal Recessive and X-Linked Classification Criteria (2023). Collection method: clinical testing. Allele origin: unknown.
Comment: This variant is considered likely benign. This variant is intronic and is not expected to impact mRNA splicing.

Labcorp Genetics (formerly Invitae), Labcorp
Classification: Likely benign for Retinoblastoma. Last evaluated: 2026-01-07. Review status: criteria provided, single submitter. Criteria: Invitae Variant Classification Sherloc (09022015). Collection method: clinical testing. Allele origin: germline.

All of Us Research Program, National Institutes of Health
Classification: Likely benign for Retinoblastoma. Last evaluated: 2023-11-28. Review status: criteria provided, single submitter. Criteria: ACMG Guidelines, 2015. Collection method: clinical testing. Allele origin: germline. Inheritance: Autosomal dominant inheritance. Observed: 8 variant alleles, 8 heterozygotes.
Comment: This study involves interpretation of variants in research participants for the purpose of population health screening. Participant phenotype was not available at the time of variant classification. Additional details can be found in publication PMID: 35346344, PMCID: PMC8962531

Blueprint Genetics
Classification: Likely benign. Last evaluated: 2022-08-08. Review status: criteria provided, single submitter. Criteria: ACMG Guidelines, 2015. Collection method: clinical testing. Allele origin: germline.

Color Diagnostics, LLC DBA Color Health
Classification: Likely benign for Retinoblastoma. Last evaluated: 2022-05-02. Review status: criteria provided, single submitter. Criteria: ACMG Guidelines, 2015. Collection method: clinical testing. Allele origin: germline.

Sema4
Classification: Uncertain significance for Hereditary cancer-predisposing syndrome. Last evaluated: 2022-02-24. Review status: criteria provided, single submitter. Criteria: Sema4 Curation Guidelines. Collection method: curation. Allele origin: germline.
Comment: The RB1 c.2107-13A>C variant has not been reported in the literature to our knowledge. This variant is not reported in the population database Genome Aggregation Database (PMID: 32461654). The variant has not been reported in ClinVar. The evidence is insufficient to meet ACMG/AMP criteria for classifying the variant as benign or pathogenic. Thus, the clinical significance of this variant is currently uncertain.